The following is an entry in ClinVar:

ClinVar aggregate classification (germline): Likely benign (0 of 4 stars; one submission).

Conditions:
RP1L1-related disorder. Also called: RP1L1-related condition.

Submission:

PreventionGenetics, part of Exact Sciences
Classification: Likely benign for RP1L1-related condition. Last evaluated: 2024-04-23. Review status: no assertion criteria provided. Collection method: clinical testing. Allele origin: germline.
Comment: This variant is classified as likely benign based on ACMG/AMP sequence variant interpretation guidelines (Richards et al. 2015 PMID: 25741868, with internal and published modifications).

NM_178857.6(RP1L1):c.4374C>T (p.Ser1458=)

Gene: RP1L1 (RP1 like 1). Cytogenetic location: 8p23.1.
Variant type: single nucleotide variant.
Coding change: c.4374C>T on transcript NM_178857.6 (MANE Select); coding-DNA position 4374, C replaced by T.
Protein change: p.Ser1458=; no amino-acid change (serine 1458 retained).
Molecular consequence: synonymous variant.
Genome position (GRCh38, 1-based): chr8:10,609,724, G>A on the plus strand (C>T on the coding strand, the complement: RP1L1 is on the minus strand). VCF-style: chr8-10609724-G-A. GRCh37 (hg19) VCF-style: chr8-10467234-G-A.
Identifiers: ClinVar variation 3354340 (VCV003354340.1).
Genomic context (GRCh38, chr8:10,609,724, plus strand): 5'-TTCCAAACCAGGCTCAAGCTGGGAGCCACTCTGCCTCTCGCTGGCACTTGGGTCCGTCTC[G>A]CTGAGATGACTAGGGGGCTCTGTGGGTTCCTCTGTGCCCTCTGCGGGGCACGGCTCTGCA-3'
Protein context (NP_849188.4, residues 1448-1468): EEPTEPPSHL[Ser1458=]ETDPSASERQ